The following is an entry in ClinVar:

ClinVar aggregate classification (germline): Uncertain significance (1 of 4 stars; one submission).

Submission:

GeneDx
Classification: Uncertain significance. Last evaluated: 2023-06-28. Review status: criteria provided, single submitter. Criteria: GeneDx Variant Classification Process June 2021. Collection method: clinical testing. Allele origin: germline. Affected: yes.
Comment: Not observed at significant frequency in large population cohorts (gnomAD); In silico analysis supports a deleterious effect on splicing; Has not been previously published as pathogenic or benign to our knowledge

NM_001220.5(CAMK2B):c.414+5G>C

Gene: CAMK2B (calcium/calmodulin dependent protein kinase II beta; minus strand). Cytogenetic location: 7p13.
Variant type: single nucleotide variant.
Coding change: c.414+5G>C on transcript NM_001220.5 (MANE Select); 5 bases into the intron after coding-DNA position 414, G replaced by C.
Molecular consequence: intron variant.
Genome position (GRCh38, 1-based): chr7:44,247,115, C>G on the plus strand (G>C on the coding strand, the complement: CAMK2B is on the minus strand). VCF-style: chr7-44247115-C-G. GRCh37 (hg19) VCF-style: chr7-44286714-C-G.
Other names: c.414+5G>C (NM_172084.3, NM_172080.3, NM_172083.3 and 5 more transcripts).
Identifiers: ClinVar variation 3360442 (VCV003360442.1).